The following is an entry in ClinVar:

NM_019066.5(MAGEL2):c.257G>C (p.Gly86Ala)

Gene: MAGEL2 (MAGE family member L2; minus strand). Cytogenetic location: 15q11.2.
Variant type: single nucleotide variant.
Coding change: c.257G>C on transcript NM_019066.5 (MANE Select); coding-DNA position 257, G replaced by C.
Protein change: p.Gly86Ala; replaces glycine 86 with alanine.
Molecular consequence: missense variant.
Genome position (GRCh38, 1-based): chr15:23,647,486, C>G on the plus strand (G>C on the coding strand, the complement: MAGEL2 is on the minus strand). VCF-style: chr15-23647486-C-G. GRCh37 (hg19) VCF-style: chr15-23892633-C-G.
Other names: short protein forms G86A.
Identifiers: ClinVar variation 1195288 (VCV001195288.25), dbSNP rs762897647, ClinGen allele CA7430125.

ClinVar aggregate classification (germline): Uncertain significance. Review status: criteria provided, multiple submitters, no conflicts (2 of 4 stars). 6 submissions from 6 submitters: Uncertain significance (3). 3 of the submissions do not count toward it. Last evaluated 2025-08-06.

Conditions:
MAGEL2-related disorder. Also called: MAGEL2-related condition.

Allele frequency attached by ClinVar (database versions not stated): TOPMed below 0.00001; ExAC 0.00017.
gnomAD v4.1: 18 of 1,532,722 alleles (0.0012%); highest among the groups gnomAD compares: South Asian, 0.0072%; no homozygotes.

Submissions (6):

Labcorp Genetics (formerly Invitae), Labcorp
Classification: Uncertain significance. Last evaluated: 2025-08-06. Review status: criteria provided, single submitter. Criteria: Invitae Variant Classification Sherloc (09022015). Collection method: clinical testing. Allele origin: germline.
Comment: This sequence change replaces glycine, which is neutral and non-polar, with alanine, which is neutral and non-polar, at codon 86 of the MAGEL2 protein (p.Gly86Ala). This variant is present in population databases (rs762897647, gnomAD 0.01%). This variant has not been reported in the literature in individuals affected with MAGEL2-related conditions. ClinVar contains an entry for this variant (Variation ID: 1195288). Experimental studies and prediction algorithms are not available or were not evaluated, and the functional significance of this variant is currently unknown. In summary, the available evidence is currently insufficient to determine the role of this variant in disease. Therefore, it has been classified as a Variant of Uncertain Significance.

CeGaT Center for Human Genetics Tuebingen
Classification: Uncertain significance. Last evaluated: 2025-01-01. Review status: criteria provided, single submitter. Criteria: CeGaT Center For Human Genetics Tuebingen Variant Classification Criteria Version 2. Collection method: clinical testing. Allele origin: germline. Affected: yes. Observed: 1 variant allele.

GeneDx
Classification: Uncertain significance. Last evaluated: 2021-04-01. Review status: criteria provided, single submitter. Criteria: GeneDx Variant Classification Process June 2021. Collection method: clinical testing. Allele origin: germline. Affected: yes.
Comment: In silico analysis supports that this missense variant has a deleterious effect on protein structure/function; Has not been previously published as pathogenic or benign to our knowledge

PreventionGenetics, part of Exact Sciences
Classification: Uncertain significance for MAGEL2-related condition. Last evaluated: 2023-11-27. Review status: no assertion criteria provided. Collection method: clinical testing. Allele origin: germline. Not counted in ClinVar's aggregate classification.
Comment: The MAGEL2 c.257G>C variant is predicted to result in the amino acid substitution p.Gly86Ala. To our knowledge, this variant has not been reported in the literature. This variant is reported in 0.013% of alleles in individuals of South Asian descent in gnomAD. At this time, the clinical significance of this variant is uncertain due to the absence of conclusive functional and genetic evidence.

Clinical Genetics DNA and cytogenetics Diagnostics Lab, Erasmus MC, Erasmus Medical Center
Classification: Uncertain significance. Review status: no assertion criteria provided. Collection method: clinical testing. Allele origin: germline. Affected: yes. Study: VKGL Data-share Consensus. Not counted in ClinVar's aggregate classification.

Clinical Genetics, Academic Medical Center
Classification: Uncertain significance. Review status: no assertion criteria provided. Collection method: clinical testing. Allele origin: germline. Affected: yes. Study: VKGL Data-share Consensus. Not counted in ClinVar's aggregate classification.